The following is an entry in ClinVar:

ClinVar aggregate classification (germline): Uncertain significance (1 of 4 stars; one submission).

Conditions:
Hereditary cancer-predisposing syndrome. Also called: Hereditary neoplastic syndrome; Tumor predisposition; Neoplastic Syndromes, Hereditary; Hereditary Cancer Syndrome. Identifiers: Orphanet 140162, MedGen C0027672, MeSH D009386, MONDO:0015356.

Submission:

Labcorp Genetics (formerly Invitae), Labcorp
Classification: Uncertain significance for Hereditary cancer-predisposing syndrome. Last evaluated: 2019-09-21. Review status: criteria provided, single submitter. Criteria: Invitae Variant Classification Sherloc (09022015). Collection method: clinical testing. Allele origin: germline.
Comment: In summary, the available evidence is currently insufficient to determine the role of this variant in disease. Therefore, it has been classified as a Variant of Uncertain Significance. Algorithms developed to predict the effect of missense changes on protein structure and function are either unavailable or do not agree on the potential impact of this missense change (SIFT: "Deleterious"; PolyPhen-2: "Probably Damaging"; Align-GVGD: "Class C0"). This variant has not been reported in the literature in individuals with RAD50-related conditions. This variant is not present in population databases (ExAC no frequency). This sequence change replaces threonine with alanine at codon 32 of the RAD50 protein (p.Thr32Ala). The threonine residue is highly conserved and there is a small physicochemical difference between threonine and alanine.

NM_005732.4(RAD50):c.94A>G (p.Thr32Ala)

Gene: RAD50 (RAD50 double strand break repair protein; plus strand). Cytogenetic location: 5q31.1.
Variant type: single nucleotide variant.
Coding change: c.94A>G on transcript NM_005732.4 (MANE Select); coding-DNA position 94, A replaced by G.
Protein change: p.Thr32Ala; replaces threonine 32 with alanine.
Molecular consequence: missense variant.
Genome position (GRCh38, 1-based): chr5:132,557,418, A>G. VCF-style: chr5-132557418-A-G. GRCh37 (hg19) VCF-style: chr5-131893110-A-G.
Other names: short protein forms T32A.
Identifiers: ClinVar variation 953863 (VCV000953863.10), dbSNP rs1554096651, ClinGen allele CA360951599.